The following is an entry in ClinVar:

NM_199242.3(UNC13D):c.2404C>G (p.Leu802Val)

Gene: UNC13D (unc-13 homolog D; minus strand). Cytogenetic location: 17q25.1.
Variant type: single nucleotide variant.
Coding change: c.2404C>G on transcript NM_199242.3 (MANE Select); coding-DNA position 2404, C replaced by G.
Protein change: p.Leu802Val; replaces leucine 802 with valine.
Molecular consequence: missense variant.
Genome position (GRCh38, 1-based): chr17:75,833,009, G>C on the plus strand (C>G on the coding strand, the complement: UNC13D is on the minus strand). VCF-style: chr17-75833009-G-C. GRCh37 (hg19) VCF-style: chr17-73829090-G-C.
Other names: short protein forms L802V.
Identifiers: ClinVar variation 1985580 (VCV001985580.1), dbSNP rs751369282, ClinGen allele CA8772557.
Genomic context (GRCh38, chr17:75,833,009, plus strand): 5'-CAGGGGCTGCTACAGACCTGCTGAAGTTCTCCTGCACCAAGTTGGTGTTCATGTAGCAAA[G>C]CTCCACCTCCAGGAACTTCATCAGGGGCAGAATGGCCTGGGGAGGGAGATGGGGAGCAGG-3'
Protein context (NP_954712.1, residues 792-812): LPLMKFLEVE[Leu802Val]CYMNTNLVQE

ClinVar aggregate classification (germline): Uncertain significance (1 of 4 stars; one submission).

Conditions:
Familial hemophagocytic lymphohistiocytosis 3 (FHL3). Also called: UNC13D-Related Familial Hemophagocytic Lymphohistiocytosis (UNC13D-fHLH). Identifiers: Orphanet 540, MedGen C1837174, MONDO:0012146, OMIM 608898.

Allele frequency attached by ClinVar (database versions not stated): TOPMed below 0.00001; ExAC 0.00003.
gnomAD v4.1: 9 of 1,604,300 alleles (0.00056%); highest among the groups gnomAD compares: African/African-American, 0.0013%; no homozygotes.

Submission:

Labcorp Genetics (formerly Invitae), Labcorp
Classification: Uncertain significance for Familial hemophagocytic lymphohistiocytosis 3. Last evaluated: 2022-04-21. Review status: criteria provided, single submitter. Criteria: Invitae Variant Classification Sherloc (09022015). Collection method: clinical testing. Allele origin: germline.
Comment: This sequence change replaces leucine, which is neutral and non-polar, with valine, which is neutral and non-polar, at codon 802 of the UNC13D protein (p.Leu802Val). This variant is present in population databases (rs751369282, gnomAD 0.003%). This variant has not been reported in the literature in individuals affected with UNC13D-related conditions. Algorithms developed to predict the effect of missense changes on protein structure and function are either unavailable or do not agree on the potential impact of this missense change (SIFT: "Not Available"; PolyPhen-2: "Probably Damaging"; Align-GVGD: "Not Available"). In summary, the available evidence is currently insufficient to determine the role of this variant in disease. Therefore, it has been classified as a Variant of Uncertain Significance.